The following is an entry in ClinVar:

ClinVar aggregate classification (germline): Uncertain significance (1 of 4 stars; one submission).

Submission:

Labcorp Genetics (formerly Invitae), Labcorp
Classification: Uncertain significance. Last evaluated: 2024-04-17. Review status: criteria provided, single submitter. Criteria: Invitae Variant Classification Sherloc (09022015). Collection method: clinical testing. Allele origin: germline.
Comment: This sequence change replaces cysteine, which is neutral and slightly polar, with serine, which is neutral and polar, at codon 559 of the PNPLA8 protein (p.Cys559Ser). This variant is not present in population databases (gnomAD no frequency). This variant has not been reported in the literature in individuals affected with PNPLA8-related conditions. ClinVar contains an entry for this variant (Variation ID: 1717091). An algorithm developed to predict the effect of missense changes on protein structure and function (PolyPhen-2) suggests that this variant is likely to be tolerated. In summary, the available evidence is currently insufficient to determine the role of this variant in disease. Therefore, it has been classified as a Variant of Uncertain Significance.

NM_001256007.3(PNPLA8):c.1675T>A (p.Cys559Ser)

Gene: PNPLA8 (patatin like domain 8, phospholipase A2; minus strand). Cytogenetic location: 7q31.1.
Variant type: single nucleotide variant.
Coding change: c.1675T>A on transcript NM_001256007.3 (MANE Select); coding-DNA position 1675, T replaced by A.
Protein change: p.Cys559Ser; replaces cysteine 559 with serine.
Molecular consequence: missense variant.
Genome position (GRCh38, 1-based): chr7:108,491,418, A>T on the plus strand (T>A on the coding strand, the complement: PNPLA8 is on the minus strand). VCF-style: chr7-108491418-A-T. GRCh37 (hg19) VCF-style: chr7-108131862-A-T.
Other names: c.1675T>A, p.Cys559Ser (NM_001256008.3, NM_001256009.3, NM_015723.5); c.1375T>A, p.Cys459Ser (NM_001256010.3, NM_001256011.3); short protein forms C459S, C559S.
Identifiers: ClinVar variation 1717091 (VCV001717091.5), dbSNP rs2552112800, ClinGen allele CA368895252.
Genomic context (GRCh38, chr7:108,491,418, plus strand): 5'-ACCAGACCTTCAGATGGAACTAGGTGTTATATTTAAGAGACTCTAAGCTTACCTTAGGAC[A>T]TGTGGGGTTTCTTGCTGTTTCAATCATCAGTGCAGATCCCATCCTATCCCTTTATTAAAG-3'
Protein context (NP_001242936.1, residues 549-569): LMIETARNPT[Cys559Ser]PKVAAVSTIV